The following is an entry in ClinVar:

ClinVar aggregate classification (germline): Likely pathogenic (1 of 4 stars; one submission).

Conditions:
Developmental and epileptic encephalopathy, 23 (DEE23). Also called: Epileptic encephalopathy, early infantile, 23. Identifiers: Orphanet 411986, MedGen C4014492, MONDO:0014371, OMIM 615859.

Allele frequency attached by ClinVar (database versions not stated): gnomAD exomes 0.00001 and 0.00002; ExAC 0.00003.
gnomAD v4.1: 3 of 1,598,010 alleles (0.00019%); highest among the groups gnomAD compares: Non-Finnish European, 0.00026%; no homozygotes.

Submission:

Labcorp Genetics (formerly Invitae), Labcorp
Classification: Likely pathogenic for Developmental and epileptic encephalopathy, 23. Last evaluated: 2021-07-26. Review status: criteria provided, single submitter. Criteria: Invitae Variant Classification Sherloc (09022015). Collection method: clinical testing. Allele origin: germline.
Comment: In summary, the currently available evidence indicates that the variant is pathogenic, but additional data are needed to prove that conclusively. Therefore, this variant has been classified as Likely Pathogenic. Donor and acceptor splice site variants typically lead to a loss of protein function (PMID: 16199547), and loss-of-function variants in DOCK7 are known to be pathogenic (PMID: 24814191). This variant has not been reported in the literature in individuals with DOCK7-related conditions. This variant is present in population databases (rs774949595, ExAC 0.006%). This sequence change affects an acceptor splice site in intron 34 of the DOCK7 gene. It is expected to disrupt RNA splicing and likely results in an absent or disrupted protein product.

Literature cited by the submitters: PubMed 16199547; PubMed 24814191.

NM_001367561.1(DOCK7):c.4380-1G>T

Gene: DOCK7 (dedicator of cytokinesis 7; minus strand). Cytogenetic location: 1p31.3.
Variant type: single nucleotide variant.
Coding change: c.4380-1G>T on transcript NM_001367561.1 (MANE Select); the canonical splice acceptor site of the intron before coding-DNA position 4380, G replaced by T.
Molecular consequence: splice acceptor variant.
Genome position (GRCh38, 1-based): chr1:62,508,059, C>A on the plus strand (G>T on the coding strand, the complement: DOCK7 is on the minus strand). VCF-style: chr1-62508059-C-A. GRCh37 (hg19) VCF-style: chr1-62973730-C-A.
Other names: c.4260-1G>T (NM_001272001.2, NM_001272000.2); c.4287-1G>T (NM_033407.4); c.4353-1G>T (NM_001271999.2, NM_001330614.2).
Identifiers: ClinVar variation 1066267 (VCV001066267.10), dbSNP rs774949595, ClinGen allele CA885709.